The following is an entry in ClinVar:

NM_000059.4(BRCA2):c.3530A>C (p.Asp1177Ala)

Gene: BRCA2 (BRCA2 DNA repair associated; plus strand). Cytogenetic location: 13q13.1.
Variant type: single nucleotide variant.
Coding change: c.3530A>C on transcript NM_000059.4 (MANE Select); coding-DNA position 3530, A replaced by C.
Protein change: p.Asp1177Ala; replaces aspartic acid 1177 with alanine.
Molecular consequence: missense variant.
Genome position (GRCh38, 1-based): chr13:32,337,885, A>C. VCF-style: chr13-32337885-A-C. GRCh37 (hg19) VCF-style: chr13-32912022-A-C.
Other names: short protein forms D1177A.
Identifiers: ClinVar variation 661123 (VCV000661123.12), dbSNP rs761130568, ClinGen allele CA6940702.

ClinVar aggregate classification (germline): Conflicting classifications of pathogenicity. Review status: criteria provided, conflicting classifications (1 of 4 stars). 3 submissions from 3 submitters: Uncertain significance (2); Likely benign (1). Last evaluated 2025-10-19.

Conditions:
Hereditary breast ovarian cancer syndrome. Also called: Hereditary breast and ovarian cancer syndrome (HBOC); Hereditary breast and ovarian cancer syndrome; Breast and ovarian cancer; Hereditary breast and ovarian cancer; Hereditary breast and/or ovarian cancer syndrome; BRCA1- and BRCA2-Associated Hereditary Breast and Ovarian Cancer. Identifiers: Orphanet 145, MedGen C0677776, MeSH D061325, MONDO:0003582. Disease mechanism: loss of function.
Hereditary cancer-predisposing syndrome. Also called: Neoplastic Syndromes, Hereditary; Tumor predisposition; Hereditary neoplastic syndrome; Hereditary Cancer Syndrome. Identifiers: Orphanet 140162, MedGen C0027672, MeSH D009386, MONDO:0015356.

Allele frequency attached by ClinVar (database versions not stated): gnomAD exomes below 0.00001; ExAC 0.00001.
gnomAD v4.1: 1 of 1,614,116 alleles (0.000062%); highest among the groups gnomAD compares: South Asian, 0.0011%; no homozygotes.

Submissions (3):

Labcorp Genetics (formerly Invitae), Labcorp
Classification: Uncertain significance for Hereditary breast ovarian cancer syndrome. Last evaluated: 2025-10-19. Review status: criteria provided, single submitter. Criteria: Invitae Variant Classification Sherloc (09022015). Collection method: clinical testing. Allele origin: germline.
Comment: This sequence change replaces aspartic acid, which is acidic and polar, with alanine, which is neutral and non-polar, at codon 1177 of the BRCA2 protein (p.Asp1177Ala). This variant is present in population databases (rs761130568, gnomAD 0.003%). This variant has not been reported in the literature in individuals affected with BRCA2-related conditions. ClinVar contains an entry for this variant (Variation ID: 661123). Invitae Evidence Modeling of protein sequence and biophysical properties (such as structural, functional, and spatial information, amino acid conservation, physicochemical variation, residue mobility, and thermodynamic stability) indicates that this missense variant is not expected to disrupt BRCA2 protein function with a negative predictive value of 95%. In summary, the available evidence is currently insufficient to determine the role of this variant in disease. Therefore, it has been classified as a Variant of Uncertain Significance.

University of Washington Department of Laboratory Medicine, University of Washington
Classification: Likely benign for Hereditary cancer-predisposing syndrome. Last evaluated: 2023-03-23. Review status: criteria provided, single submitter. Criteria: Dines et al. (Genet Med. 2020). Collection method: curation. Allele origin: germline.
Comment: Missense variant in a coldspot region where missense variants are very unlikely to be pathogenic (PMID:31911673).

BRCA2 exon 11 coldspot. Reclassification based on statistical prior probability.

Ambry Genetics
Classification: Uncertain significance for Hereditary cancer-predisposing syndrome. Last evaluated: 2018-03-30. Review status: criteria provided, single submitter. Criteria: Ambry Variant Classification Scheme 2023. Collection method: clinical testing. Allele origin: germline.
Comment: The p.D1177A variant (also known as c.3530A>C), located in coding exon 10 of the BRCA2 gene, results from an A to C substitution at nucleotide position 3530. The aspartic acid at codon 1177 is replaced by alanine, an amino acid with dissimilar properties. This amino acid position is not well conserved in available vertebrate species. In addition, this alteration is predicted to be tolerated by in silico analysis. Since supporting evidence is limited at this time, the clinical significance of this alteration remains unclear.